The following is an entry in ClinVar:

ClinVar aggregate classification (germline): Uncertain significance (1 of 4 stars; one submission).

Submission:

Labcorp Genetics (formerly Invitae), Labcorp
Classification: Uncertain significance. Last evaluated: 2022-04-08. Review status: criteria provided, single submitter. Criteria: Invitae Variant Classification Sherloc (09022015). Collection method: clinical testing. Allele origin: germline.
Comment: This sequence change replaces cysteine, which is neutral and slightly polar, with tyrosine, which is neutral and polar, at codon 511 of the FAM161A protein (p.Cys511Tyr). This variant is not present in population databases (gnomAD no frequency). This variant has not been reported in the literature in individuals affected with FAM161A-related conditions. Algorithms developed to predict the effect of missense changes on protein structure and function output the following: SIFT: "Tolerated"; PolyPhen-2: "Benign"; Align-GVGD: "Class C0". The tyrosine amino acid residue is found in multiple mammalian species, which suggests that this missense change does not adversely affect protein function. In summary, the available evidence is currently insufficient to determine the role of this variant in disease. Therefore, it has been classified as a Variant of Uncertain Significance.

NM_001201543.2(FAM161A):c.1532G>A (p.Cys511Tyr)

Gene: FAM161A (FAM161 centrosomal protein A; minus strand). Cytogenetic location: 2p15.
Variant type: single nucleotide variant.
Coding change: c.1532G>A on transcript NM_001201543.2 (MANE Select); coding-DNA position 1532, G replaced by A.
Protein change: p.Cys511Tyr; replaces cysteine 511 with tyrosine.
Molecular consequence: missense variant. On other transcripts: non-coding transcript variant (1).
Genome position (GRCh38, 1-based): chr2:61,839,472, C>T on the plus strand (G>A on the coding strand, the complement: FAM161A is on the minus strand). VCF-style: chr2-61839472-C-T. GRCh37 (hg19) VCF-style: chr2-62066607-C-T.
Other names: c.1532G>A, p.Cys511Tyr (NM_032180.3); short protein forms C511Y.
Identifiers: ClinVar variation 1467208 (VCV001467208.3), dbSNP rs2105080449, ClinGen allele CA346986328.